The following is an entry in ClinVar:

ClinVar aggregate classification (germline): Likely benign. Review status: criteria provided, multiple submitters, no conflicts (2 of 4 stars). 7 submissions from 7 submitters: Likely benign (6). 1 of the submissions does not count toward it. Last evaluated 2026-09-01.

Conditions:
IGF1-related disorder. Also called: IGF1-related condition.
Growth delay due to insulin-like growth factor type 1 deficiency (IGF1D). Also called: GROWTH RETARDATION WITH SENSORINEURAL DEAFNESS AND MENTAL RETARDATION; IGF1 DEFICIENCY. Identifiers: Orphanet 73272, MedGen C1837475, MONDO:0012110, OMIM 608747.

Allele frequency attached by ClinVar (database versions not stated): ESP Exome Variant Server 0.00031; gnomAD 0.00031 and 0.00036; TOPMed 0.00032; gnomAD exomes 0.00037 and 0.00061; ExAC 0.00065; 1000 Genomes Project 30x 0.00078; 1000 Genomes Project 0.00080.
gnomAD v4.1: 611 of 1,613,644 alleles (0.038%); highest among the groups gnomAD compares: Middle Eastern, 0.53%; 6 homozygotes.

Submissions (7):

CeGaT Center for Human Genetics Tuebingen
Classification: Likely benign. Last evaluated: 2026-09-01. Review status: criteria provided, single submitter. Criteria: CeGaT Center For Human Genetics Tuebingen Variant Classification Criteria Version 2. Collection method: clinical testing. Allele origin: germline. Affected: yes. Observed: 2 variant alleles.
Comment: IGF1: BP4, BP7

Labcorp Genetics (formerly Invitae), Labcorp
Classification: Likely benign. Last evaluated: 2025-12-01. Review status: criteria provided, single submitter. Criteria: Invitae Variant Classification Sherloc (09022015). Collection method: clinical testing. Allele origin: germline.

Women's Health and Genetics/Laboratory Corporation of America, LabCorp
Classification: Likely benign. Last evaluated: 2025-10-31. Review status: criteria provided, single submitter. Criteria: LabCorp Variant Classification Summary - May 2015. Collection method: clinical testing. Allele origin: germline.

Blueprint Genetics
Classification: Likely benign. Last evaluated: 2024-10-25. Review status: criteria provided, single submitter. Criteria: ACMG Guidelines, 2015. Collection method: clinical testing. Allele origin: germline.

Illumina Laboratory Services, Illumina
Classification: Likely benign for Growth delay due to insulin-like growth factor type 1 deficiency. Last evaluated: 2018-02-13. Review status: criteria provided, single submitter. Criteria: ICSL Variant Classification Criteria 13 December 2019. Collection method: clinical testing. Allele origin: germline.
Comment: This variant was observed as part of a predisposition screen in an ostensibly healthy population. A literature search was performed for the gene, cDNA change, and amino acid change (where applicable). No publications were found based on this search. Allele frequency data from public databases allowed determination this variant is unlikely to cause disease. Therefore, this variant is classified as likely benign.

Breakthrough Genomics
Classification: Likely benign. Review status: criteria provided, single submitter. Criteria: ACMG Guidelines, 2015. Collection method: not provided. Allele origin: germline. Inheritance: Autosomal recessive inheritance. Affected: yes.

PreventionGenetics, part of Exact Sciences
Classification: Likely benign for IGF1-related condition. Last evaluated: 2019-06-19. Review status: no assertion criteria provided. Collection method: clinical testing. Allele origin: germline. Not counted in ClinVar's aggregate classification.
Comment: This variant is classified as likely benign based on ACMG/AMP sequence variant interpretation guidelines (Richards et al. 2015 PMID: 25741868, with internal and published modifications).

NM_000618.5(IGF1):c.285C>T (p.Cys95=)

Genes: IGF1 (insulin like growth factor 1; minus strand), LINC02456 (long independently transcribed non-coding RNA 2456; plus strand). Cytogenetic location: 12q23.2.
Variant type: single nucleotide variant.
Coding change: c.285C>T on transcript NM_000618.5 (MANE Select); coding-DNA position 285, C replaced by T.
Protein change: p.Cys95=; no amino-acid change (cysteine 95 retained).
Molecular consequence: synonymous variant.
Genome position (GRCh38, 1-based): chr12:102,419,626, G>A on the plus strand (C>T on the coding strand, the complement: IGF1 is on the minus strand). VCF-style: chr12-102419626-G-A. GRCh37 (hg19) VCF-style: chr12-102813404-G-A.
Other names: c.285C>T, p.Cys95= (NM_001111283.3, NM_001111285.3); c.237C>T, p.Cys79= (NM_001111284.2).
Identifiers: ClinVar variation 731380 (VCV000731380.41), dbSNP rs3730193, ClinGen allele CA6748577.
Genomic context (GRCh38, chr12:102,419,626, plus strand): 5'-GGCAGGCTTGAGGGGTGCGCAATACATCTCCAGCCTCCTTAGATCACAGCTCCGGAAGCA[G>A]CACTCATCCACGATGCCTGTCTGAGGCGCCCTCCGACTGCTGGAGCCATACCCTGTGGGC-3'
Protein context (NP_000609.1, residues 85-105): RAPQTGIVDE[Cys95=]CFRSCDLRRL